The following is an entry in ClinVar:

ClinVar aggregate classification (germline): Uncertain significance (1 of 4 stars; one submission).

Conditions:
Neurodevelopmental disorder with or without autistic features and/or structural brain abnormalities. Identifiers: MedGen C5394311, MONDO:0030024, OMIM 618859.

Submission:

Dasa
Classification: Uncertain significance for neurodevelopmental disorder with or without autistic features and/or structural brain abnormalities. Last evaluated: 2026-02-19. Review status: criteria provided, single submitter. Criteria: DASA Assertion Criteria. Collection method: clinical testing. Allele origin: germline.
Comment: NM_002516.4(NOVA2):c.413_414dup (p.Asn139Profs*7) is a frameshift variant in NOVA2 predicted to alter the reading frame and introduce a premature termination codon and is predicted to result in an absent or altered protein product. This variant is absent from population databases. The currently available literature and clinical evidence are not sufficient to establish a definitive association between this variant and the reported condition. Therefore, this variant is classified as a variant of uncertain significance.

NM_002516.4(NOVA2):c.413_414dup (p.Asn139fs)

Gene: NOVA2 (NOVA alternative splicing regulator 2; minus strand). Cytogenetic location: 19q13.32.
Variant type: Duplication.
Coding change: c.413_414dup on transcript NM_002516.4 (MANE Select); coding-DNA positions 413 to 414, 2 bases duplicated (CC; older notation c.413_414dupCC).
Protein change: p.Asn139fs; shifts the reading frame from asparagine 139.
Molecular consequence: frameshift variant.
Genome position (GRCh38, 1-based): chr19:45,940,928-45,940,929, GG duplicated on the plus strand (CC on the coding strand, the reverse complement: NOVA2 is on the minus strand); duplicating any 2 consecutive bases within chr19:45,940,928-45,940,931 gives the same sequence; the c. name uses the placement nearest the transcript's 3' end. VCF-style (leftmost placement, unchanged base first): chr19-45940927-T-TGG. GRCh37 (hg19) VCF-style: chr19-46444185-T-TGG.
Other names: short protein forms N139fs.
Identifiers: ClinVar variation 4883993 (VCV004883993.2).